The following is an entry in ClinVar:

NM_001130987.2(DYSF):c.5437dup (p.Leu1813fs)

Gene: DYSF (dysferlin; plus strand). Cytogenetic location: 2p13.2.
Variant type: Duplication.
Coding change: c.5437dup on transcript NM_001130987.2 (MANE Select); coding-DNA position 5437, one base duplicated (C; older notation c.5437dupC).
Protein change: p.Leu1813fs; shifts the reading frame from leucine 1813.
Molecular consequence: frameshift variant.
Genome position (GRCh38, 1-based): chr2:71,667,495, C duplicated; the last of 5 consecutive C bases (chr2:71,667,491-71,667,495); duplicating any one gives the same sequence. VCF-style (leftmost placement, unchanged base first): chr2-71667490-G-GC. GRCh37 (hg19) VCF-style: chr2-71894620-G-GC.
Other names: c.5323dup, p.Leu1775fs (NM_001130455.2); c.5278dup, p.Leu1760fs (NM_001130976.2); c.5341dup, p.Leu1781fs (NM_001130977.2); c.5383dup, p.Leu1795fs (NM_001130978.2); c.5413dup, p.Leu1805fs (NM_001130979.2); c.5371dup, p.Leu1791fs (NM_001130980.2); c.5434dup, p.Leu1812fs (NM_001130981.2); c.5416dup, p.Leu1806fs (NM_001130982.2); and 7 more; short protein forms L1775fs, L1781fs, L1792fs, L1796fs, L1761fs, L1782fs, L1760fs, L1774fs.
Identifiers: ClinVar variation 595345 (VCV000595345.16), dbSNP rs769873428, ClinGen allele CA1707361.
Genomic context (GRCh38, chr2:71,667,490, plus strand): 5'-TGCATGTGCTTCAGCAGCAGGGCCTGGTCCCGGAGCACGTGGAGTCACGGCCCCTCTACA[G>GC]CCCCCTGCAGCCAGACATCGAGCAGGTAGGACCTTGACCCTTGGGTCCCAGAGTCCTCGA-3'

ClinVar aggregate classification (germline): Pathogenic/Likely pathogenic. Review status: criteria provided, multiple submitters, no conflicts (2 of 4 stars). 5 submissions from 5 submitters: Pathogenic (3); Likely pathogenic (1). 1 of the submissions does not count toward it. Last evaluated 2024-11-27.

Conditions:
Neuromuscular disease caused by qualitative or quantitative defects of dysferlin. Also called: Qualitative or quantitative defects of dysferlin; Dysferlinopathy. Identifiers: Orphanet 207073, MedGen C2931687, MONDO:0016145.
DYSF-related disorder. Also called: DYSF-related condition; DYSF-related disorders.
Distal myopathy with anterior tibial onset. Identifiers: Orphanet 178400, MedGen C1847532, MONDO:0011721, OMIM 606768.
Autosomal recessive limb-girdle muscular dystrophy. Identifiers: Orphanet 102015, MedGen C2931907, MONDO:0015152.

Submissions (5):

Labcorp Genetics (formerly Invitae), Labcorp
Classification: Pathogenic for Neuromuscular disease caused by qualitative or quantitative defects of dysferlin. Last evaluated: 2024-11-27. Review status: criteria provided, single submitter. Criteria: Invitae Variant Classification Sherloc (09022015). Collection method: clinical testing. Allele origin: germline.
Comment: This sequence change creates a premature translational stop signal (p.Leu1774Profs*54) in the DYSF gene. It is expected to result in an absent or disrupted protein product. Loss-of-function variants in DYSF are known to be pathogenic (PMID: 17698709, 20301480). This variant is present in population databases (rs769873428, gnomAD 0.007%). This variant has not been reported in the literature in individuals affected with DYSF-related conditions. ClinVar contains an entry for this variant (Variation ID: 595345). For these reasons, this variant has been classified as Pathogenic.

Women's Health and Genetics/Laboratory Corporation of America, LabCorp
Classification: Pathogenic for Autosomal recessive limb-girdle muscular dystrophy. Last evaluated: 2024-01-12. Review status: criteria provided, single submitter. Criteria: LabCorp Variant Classification Summary - May 2015. Collection method: clinical testing. Allele origin: germline.
Comment: Variant summary: DYSF c.5320dupC (p.Leu1774ProfsX54) results in a premature termination codon, predicted to cause absence of the protein due to nonsense mediated decay, which is a commonly known mechanism for disease. The variant allele was found at a frequency of 4e-06 in 251100 control chromosomes (gnomAD). c.5320dupC has been reported in the literature in an individual(s) affected with Limb-Girdle Muscular Dystrophy, Autosomal Recessive (e.g. Wang_2022). The following publication has been ascertained in the context of this evaluation (PMID: 36319958). ClinVar contains an entry for this variant (Variation ID: 595345). Based on the evidence outlined above, the variant was classified as pathogenic.

Blueprint Genetics
Classification: Likely pathogenic for DYSF-related disorders. Last evaluated: 2018-08-28. Review status: criteria provided, single submitter. Criteria: ACMG Guidelines, 2015. Collection method: clinical testing. Allele origin: germline. Affected: yes. Observed: 1 variant allele.

Eurofins Ntd Llc (ga)
Classification: Pathogenic. Last evaluated: 2017-12-15. Review status: criteria provided, single submitter. Criteria: EGL Classification Definitions 2015. Collection method: clinical testing. Allele origin: germline. Observed: 1 variant allele, 1 heterozygote.

Neuropathology Laboratory of Hebei Province, The Second Hospital of Hebei Medical University
Classification: Pathogenic for Distal myopathy with anterior tibial onset. Review status: no assertion criteria provided. Collection method: clinical testing. Allele origin: paternal. Affected: yes. Not counted in ClinVar's aggregate classification.

Literature cited by the submitters: PubMed 17698709 (cited by Labcorp Genetics (formerly Invitae), Labcorp); PubMed 20301480 (cited by Labcorp Genetics (formerly Invitae), Labcorp); PubMed 36319958 (cited by Women's Health and Genetics/Laboratory Corporation of America, LabCorp).